The following is an entry in ClinVar:

NM_033159.4(HYAL1):c.952G>A (p.Val318Met)

Gene: HYAL1 (hyaluronidase 1; minus strand). Cytogenetic location: 3p21.31.
Variant type: single nucleotide variant.
Coding change: c.952G>A on transcript NM_033159.4 (MANE Select); coding-DNA position 952, G replaced by A.
Protein change: p.Val318Met; replaces valine 318 with methionine.
Molecular consequence: missense variant. On other transcripts: non-coding transcript variant (1), intron variant (1).
Genome position (GRCh38, 1-based): chr3:50,301,026, C>T on the plus strand (G>A on the coding strand, the complement: HYAL1 is on the minus strand). VCF-style: chr3-50301026-C-T. GRCh37 (hg19) VCF-style: chr3-50338457-C-T.
Other names: c.952G>A, p.Val318Met (NM_153281.2); c.406G>A, p.Val136Met (NM_153283.3); c.175G>A, p.Val59Met (NM_153285.3); c.901-226G>A (NM_153282.3); short protein forms V318M, V59M, V136M.
Identifiers: ClinVar variation 1439136 (VCV001439136.4), dbSNP rs1553712745, ClinGen allele CA352890331.
Genomic context (GRCh38, chr3:50,301,026, plus strand): 5'-CTCATGCCAGGCCTAAGCTCACCTTGGTTCTTGTATTTTCCCAGCTCACCCAGAGCACCA[C>T]TCCAGCTGCCCCCTGGGCCGCACTCTCCCCCAGGCTGTGCTCCAGCTCATCCTGGGAAGG-3'
Protein context (NP_149349.2, residues 308-328): GESAAQGAAG[Val318Met]VLWVSWENTR

ClinVar aggregate classification (germline): Uncertain significance (1 of 4 stars; one submission).

Conditions:
Deficiency of hyaluronoglucosaminidase (MPS9). Also called: MPS IX; Mucopolysaccharidosis type 9; HYALURONIDASE DEFICIENCY. Identifiers: Orphanet 67041, MedGen C1291490, MONDO:0011093, OMIM 601492.

Allele frequency attached by ClinVar (database versions not stated): gnomAD exomes 0.00001; TOPMed 0.00001.
gnomAD v4.1: 4 of 1,611,492 alleles (0.00025%); highest among the groups gnomAD compares: Admixed American, 0.0067%; no homozygotes.

Submission:

Labcorp Genetics (formerly Invitae), Labcorp
Classification: Uncertain significance for Deficiency of hyaluronoglucosaminidase. Last evaluated: 2022-06-05. Review status: criteria provided, single submitter. Criteria: Invitae Variant Classification Sherloc (09022015). Collection method: clinical testing. Allele origin: germline.
Comment: This sequence change replaces valine, which is neutral and non-polar, with methionine, which is neutral and non-polar, at codon 318 of the HYAL1 protein (p.Val318Met). This variant is present in population databases (no rsID available, gnomAD 0.006%). This variant has not been reported in the literature in individuals affected with HYAL1-related conditions. ClinVar contains an entry for this variant (Variation ID: 1439136). Algorithms developed to predict the effect of missense changes on protein structure and function are either unavailable or do not agree on the potential impact of this missense change (SIFT: "Deleterious"; PolyPhen-2: "Probably Damaging"; Align-GVGD: "Class C0"). In summary, the available evidence is currently insufficient to determine the role of this variant in disease. Therefore, it has been classified as a Variant of Uncertain Significance.